The following is an entry in ClinVar:

ClinVar aggregate classification (germline): Pathogenic (1 of 4 stars; one submission).

Conditions:
Retinitis pigmentosa 25 (RP25). Identifiers: Orphanet 791, MedGen C1864446, MONDO:0011272, OMIM 602772.

gnomAD v4.1: 1 of 1,551,376 alleles (0.000064%); highest among the groups gnomAD compares: Non-Finnish European, 0.000087%; no homozygotes.

Submission:

Natera, Inc.
Classification: Pathogenic for Retinitis pigmentosa type 25. Last evaluated: 2024-04-15. Review status: criteria provided, single submitter. Criteria: Natera Variant Classification Schema (03/2026). Collection method: clinical testing. Allele origin: germline.
Comment: The c.4655T>A variant in EYS is a nonsense variant predicted to introduce a stop codon at amino acid 1552. This variant is expected to result in nonsense mediated decay, truncation, or a dysfunctional protein product. This variant is rare in the general population with a frequency below the threshold expected for the associated phenotype(s). This variant has been observed in one or more individuals affected with the associated recessive disease, as either homozygous or compound heterozygous with a second variant (PMID: 34689181, 33090715). Given the available evidence, this variant is classified as Pathogenic.

Literature cited by the submitters: PubMed 34689181; PubMed 33090715.

NM_001142800.2(EYS):c.4655T>A (p.Leu1552Ter)

Gene: EYS (EGF-like photoreceptor maintenance factor; minus strand). Cytogenetic location: 6q12.
Variant type: single nucleotide variant.
Coding change: c.4655T>A on transcript NM_001142800.2 (MANE Select); coding-DNA position 4655, T replaced by A.
Protein change: p.Leu1552Ter; replaces leucine 1552 with a stop codon.
Molecular consequence: nonsense.
Genome position (GRCh38, 1-based): chr6:64,591,212, A>T on the plus strand (T>A on the coding strand, the complement: EYS is on the minus strand). VCF-style: chr6-64591212-A-T. GRCh37 (hg19) VCF-style: chr6-65301105-A-T.
Other names: c.4655T>A, p.Leu1552Ter (NM_001292009.2); short protein forms L1552*.
Identifiers: ClinVar variation 4814639 (VCV004814639.1).